The following is an entry in ClinVar:

NM_001127178.3(PIGG):c.2555C>A (p.Ala852Glu)

Gene: PIGG (phosphatidylinositol glycan anchor biosynthesis class G (EMM blood group); plus strand). Cytogenetic location: 4p16.3.
Variant type: single nucleotide variant.
Coding change: c.2555C>A on transcript NM_001127178.3 (MANE Select); coding-DNA position 2555, C replaced by A.
Protein change: p.Ala852Glu; replaces alanine 852 with glutamic acid.
Molecular consequence: missense variant. On other transcripts: non-coding transcript variant (6).
Genome position (GRCh38, 1-based): chr4:530,729, C>A. VCF-style: chr4-530729-C-A. GRCh37 (hg19) VCF-style: chr4-524518-C-A.
Other names: c.2288C>A, p.Ala763Glu (NM_001289051.2, NM_001345986.2); c.2156C>A, p.Ala719Glu (NM_001289052.2); c.2264C>A, p.Ala755Glu (NM_001345987.2); c.1526C>A, p.Ala509Glu (NM_001345988.2); c.1022C>A, p.Ala341Glu (NM_001345990.2, NM_001345991.2); c.1457C>A, p.Ala486Glu (NM_001345994.2); c.2531C>A, p.Ala844Glu (NM_017733.5); short protein forms A852E, A341E, A509E, A719E, A486E, A755E, A763E, A844E.
Identifiers: ClinVar variation 574869 (VCV000574869.9), dbSNP rs749071064, ClinGen allele CA355910420.

ClinVar aggregate classification (germline): Uncertain significance (1 of 4 stars; one submission).

Conditions:
Intellectual disability, autosomal recessive 53 (NEDHSCA). Also called: NEURODEVELOPMENTAL DISORDER WITH OR WITHOUT HYPOTONIA, SEIZURES, AND CEREBELLAR ATROPHY; GLYCOSYLPHOSPHATIDYLINOSITOL BIOSYNTHESIS DEFECT 13; Mental retardation, autosomal recessive 53. Identifiers: Orphanet 488635, MedGen C4310794, MONDO:0014832, OMIM 616917.

Allele frequency attached by ClinVar (database versions not stated): gnomAD exomes 0.00001.
gnomAD v4.1: 4 of 1,606,726 alleles (0.00025%); highest among the groups gnomAD compares: East Asian, 0.0089%; no homozygotes.

Submission:

Labcorp Genetics (formerly Invitae), Labcorp
Classification: Uncertain significance for Intellectual disability, autosomal recessive 53. Last evaluated: 2022-11-15. Review status: criteria provided, single submitter. Criteria: Invitae Variant Classification Sherloc (09022015). Collection method: clinical testing. Allele origin: germline.
Comment: ClinVar contains an entry for this variant (Variation ID: 574869). This sequence change replaces alanine, which is neutral and non-polar, with glutamic acid, which is acidic and polar, at codon 852 of the PIGG protein (p.Ala852Glu). This variant is present in population databases (no rsID available, gnomAD 0.01%). This variant has not been reported in the literature in individuals affected with PIGG-related conditions. Advanced modeling of protein sequence and biophysical properties (such as structural, functional, and spatial information, amino acid conservation, physicochemical variation, residue mobility, and thermodynamic stability) performed at Invitae indicates that this missense variant is expected to disrupt PIGG protein function. In summary, the available evidence is currently insufficient to determine the role of this variant in disease. Therefore, it has been classified as a Variant of Uncertain Significance.